The following is an entry in ClinVar:

NM_012193.4(FZD4):c.789T>A (p.Asn263Lys)

Genes: FZD4 (frizzled class receptor 4; minus strand), PRSS23 (serine protease 23; plus strand). Cytogenetic location: 11q14.2.
Variant type: single nucleotide variant.
Coding change: c.789T>A on transcript NM_012193.4 (MANE Select); coding-DNA position 789, T replaced by A.
Protein change: p.Asn263Lys; replaces asparagine 263 with lysine.
Molecular consequence: missense variant. On other transcripts: non-coding transcript variant (2).
Genome position (GRCh38, 1-based): chr11:86,951,967, A>T on the plus strand (T>A on the coding strand, the complement: FZD4 is on the minus strand). VCF-style: chr11-86951967-A-T. GRCh37 (hg19) VCF-style: chr11-86663009-A-T.
Other names: short protein forms N263K.
Identifiers: ClinVar variation 3902900 (VCV003902900.1).
Genomic context (GRCh38, chr11:86,951,967, plus strand): 5'-ATCACAGGATATCCTTTCCCGGCCTACAGTCAGCCTGACAATATAAGCAATGCTATAAAT[A>T]TTATAGCACATACTGAGAAATATGATGGGGCGCTCAGGGTAGGAAAACCTAGAAGAATCG-3'
Protein context (NP_036325.2, residues 253-273): RPIIFLSMCY[Asn263Lys]IYSIAYIVRL

ClinVar aggregate classification (germline): Uncertain significance (1 of 4 stars; one submission).

Submission:

GeneDx
Classification: Uncertain significance. Last evaluated: 2024-12-11. Review status: criteria provided, single submitter. Criteria: GeneDx Variant Classification Process June 2021. Collection method: clinical testing. Allele origin: germline. Affected: yes.
Comment: Not observed at significant frequency in large population cohorts (gnomAD); In silico analysis supports that this missense variant has a deleterious effect on protein structure/function; Has not been previously published as pathogenic or benign to our knowledge